The following is an entry in ClinVar:

NM_020937.4(FANCM):c.3747A>G (p.Thr1249=)

Gene: FANCM (FA complementation group M; plus strand). Cytogenetic location: 14q21.2.
Variant type: single nucleotide variant.
Coding change: c.3747A>G on transcript NM_020937.4 (MANE Select); coding-DNA position 3747, A replaced by G.
Protein change: p.Thr1249=; no amino-acid change (threonine 1249 retained).
Molecular consequence: synonymous variant.
Genome position (GRCh38, 1-based): chr14:45,176,501, A>G. VCF-style: chr14-45176501-A-G. GRCh37 (hg19) VCF-style: chr14-45645704-A-G.
Other names: c.3669A>G, p.Thr1223= (NM_001308133.2); c.3747A>G (NM_020937.2).
Identifiers: ClinVar variation 1618657 (VCV001618657.9), dbSNP rs1017919543, ClinGen allele CA259628497.

ClinVar aggregate classification (germline): Conflicting classifications of pathogenicity. Review status: criteria provided, conflicting classifications (1 of 4 stars). 3 submissions from 3 submitters: Uncertain significance (1); Likely benign (2). Last evaluated 2025-08-20.

Conditions:
Fanconi anemia (FA). Also called: Fanconi's anemia. Identifiers: Orphanet 84, MedGen C0015625, MeSH D005199, MONDO:0019391.
Inborn genetic diseases. Identifiers: MedGen C0950123, MeSH D030342.

Allele frequency attached by ClinVar (database versions not stated): gnomAD exomes below 0.00001; gnomAD 0.00001.
gnomAD v4.1: 2 of 1,607,128 alleles (0.00012%); highest among the groups gnomAD compares: South Asian, 0.0011%; no homozygotes.

Submissions (3):

Ambry Genetics
Classification: Likely benign for Inborn genetic diseases. Last evaluated: 2025-08-20. Review status: criteria provided, single submitter. Criteria: Ambry Variant Classification Scheme 2023. Collection method: clinical testing. Allele origin: germline.

GeneDx
Classification: Uncertain significance. Last evaluated: 2022-09-19. Review status: criteria provided, single submitter. Criteria: GeneDx Variant Classification Process June 2021. Collection method: clinical testing. Allele origin: germline. Affected: yes.
Comment: Not observed at significant frequency in large population cohorts (gnomAD); In silico analysis supports that this variant does not alter splicing; Has not been previously published as pathogenic or benign to our knowledge

Labcorp Genetics (formerly Invitae), Labcorp
Classification: Likely benign for Fanconi anemia. Last evaluated: 2021-04-23. Review status: criteria provided, single submitter. Criteria: Invitae Variant Classification Sherloc (09022015). Collection method: clinical testing. Allele origin: germline.